The following is an entry in ClinVar:

ClinVar aggregate classification (germline): Uncertain significance (1 of 4 stars; one submission).

Conditions:
VKORC1-related disorder. Also called: VKORC1-related condition.

Submission:

PreventionGenetics, part of Exact Sciences
Classification: Uncertain significance for VKORC1-related condition. Last evaluated: 2023-08-29. Review status: criteria provided, single submitter. Criteria: ACMG Guidelines, 2015. Collection method: clinical testing. Allele origin: germline.
Comment: The VKORC1 c.298C>T variant is predicted to result in the amino acid substitution p.His100Tyr. To our knowledge, this variant has not been reported in the literature or in a large population database, indicating this variant is rare. At this time, the clinical significance of this variant is uncertain due to the absence of conclusive functional and genetic evidence.

NM_024006.6(VKORC1):c.283+460C>T

Gene: VKORC1 (vitamin K epoxide reductase complex subunit 1; minus strand). Cytogenetic location: 16p11.2.
Variant type: single nucleotide variant.
Coding change: c.283+460C>T on transcript NM_024006.6 (MANE Select); 460 bases into the intron after coding-DNA position 283, C replaced by T.
Molecular consequence: intron variant. On other transcripts: missense variant (1).
Genome position (GRCh38, 1-based): chr16:31,092,852, G>A on the plus strand (C>T on the coding strand, the complement: VKORC1 is on the minus strand). VCF-style: chr16-31092852-G-A. GRCh37 (hg19) VCF-style: chr16-31104173-G-A.
Other names: c.298C>T, p.His100Tyr (NM_001311311.2); c.174-1510C>T (NM_206824.3); short protein forms H100Y.
Identifiers: ClinVar variation 2630698 (VCV002630698.1), dbSNP rs2544125466, ClinGen allele CA395730437.